The following is an entry in ClinVar:

NM_001276270.2(MBD4):c.1122C>G (p.Asp374Glu)

Gene: MBD4 (methyl-CpG binding domain 4, DNA glycosylase; minus strand). Cytogenetic location: 3q21.3.
Variant type: single nucleotide variant.
Coding change: c.1122C>G on transcript NM_001276270.2 (MANE Select); coding-DNA position 1122, C replaced by G.
Protein change: p.Asp374Glu; replaces aspartic acid 374 with glutamic acid.
Molecular consequence: missense variant. On other transcripts: intron variant (1).
Genome position (GRCh38, 1-based): chr3:129,436,522, G>C on the plus strand (C>G on the coding strand, the complement: MBD4 is on the minus strand). VCF-style: chr3-129436522-G-C. GRCh37 (hg19) VCF-style: chr3-129155365-G-C.
Other names: c.1122C>G, p.Asp374Glu (NM_001276271.2, NM_001276272.2, NM_003925.3); c.247+1286C>G (NM_001276273.2); short protein forms D374E.
Identifiers: ClinVar variation 5024000 (VCV005024000.1).

ClinVar aggregate classification (germline): Uncertain significance (1 of 4 stars; one submission).

Conditions:
Inborn genetic diseases. Identifiers: MedGen C0950123, MeSH D030342.

Submission:

Ambry Genetics
Classification: Uncertain significance for Inborn genetic diseases. Last evaluated: 2026-06-16. Review status: criteria provided, single submitter. Criteria: Ambry Variant Classification Scheme 2023. Collection method: clinical testing. Allele origin: germline.
Comment: The p.D374E variant (also known as c.1122C>G), located in coding exon 3 of the MBD4 gene, results from a C to G substitution at nucleotide position 1122. The aspartic acid at codon 374 is replaced by glutamic acid, an amino acid with highly similar properties. This amino acid position is conserved. In addition, the in silico prediction for this alteration is inconclusive. Based on the available evidence, the clinical significance of this variant remains unclear.